The following is an entry in ClinVar:

NM_030665.4(RAI1):c.5545A>T (p.Met1849Leu)

Gene: RAI1 (retinoic acid induced 1; plus strand). Cytogenetic location: 17p11.2.
Variant type: single nucleotide variant.
Coding change: c.5545A>T on transcript NM_030665.4 (MANE Select); coding-DNA position 5545, A replaced by T.
Protein change: p.Met1849Leu; replaces methionine 1849 with leucine.
Molecular consequence: missense variant.
Genome position (GRCh38, 1-based): chr17:17,798,493, A>T. VCF-style: chr17-17798493-A-T. GRCh37 (hg19) VCF-style: chr17-17701807-A-T.
Other names: short protein forms M1849L.
Identifiers: ClinVar variation 2047836 (VCV002047836.4), dbSNP rs373921882, ClinGen allele CA398559402.

ClinVar aggregate classification (germline): Uncertain significance (1 of 4 stars; one submission).

Submission:

Labcorp Genetics (formerly Invitae), Labcorp
Classification: Uncertain significance. Last evaluated: 2024-10-22. Review status: criteria provided, single submitter. Criteria: Invitae Variant Classification Sherloc (09022015). Collection method: clinical testing. Allele origin: germline.
Comment: This sequence change replaces methionine, which is neutral and non-polar, with leucine, which is neutral and non-polar, at codon 1849 of the RAI1 protein (p.Met1849Leu). This variant is not present in population databases (gnomAD no frequency). This variant has not been reported in the literature in individuals affected with RAI1-related conditions. ClinVar contains an entry for this variant (Variation ID: 2047836). Invitae Evidence Modeling of protein sequence and biophysical properties (such as structural, functional, and spatial information, amino acid conservation, physicochemical variation, residue mobility, and thermodynamic stability) indicates that this missense variant is not expected to disrupt RAI1 protein function with a negative predictive value of 80%. In summary, the available evidence is currently insufficient to determine the role of this variant in disease. Therefore, it has been classified as a Variant of Uncertain Significance.